The following is an entry in ClinVar:

ClinVar aggregate classification (germline): Pathogenic (1 of 4 stars; one submission).

Conditions:
4p partial monosomy syndrome (WHS). Also called: CHROMOSOME 4p16.3 DELETION SYNDROME; PITT SYNDROME; Wolf-Hirschhorn syndrome; WITTWER SYNDROME. Identifiers: Orphanet 280, MedGen C1956097, MONDO:0008684, OMIM 194190.

Submission:

Laboratory of Cytogenetics, Molecular Genetics and Reproductive Biology, Farhat Hached University Hospital
Classification: Pathogenic for 4p partial monosomy syndrome. Last evaluated: 2025-12-12. Review status: criteria provided, single submitter. Criteria: ACMG/ClinGen CNV Guidelines, 2019. Collection method: clinical testing. Allele origin: unknown. Affected: yes.
Comment: Similar genomic alterations have been previously reported in affected individuals (PMID: 36526544 ). Based on phenotypic overlap and available literature evidence, the variant was classified as Pathogenic. The copy number variant was evaluated using ACMG/ClinGen CNV guidelines (PMID:31690835)

Literature cited by the submitters: PubMed 36526544.

GRCh37/hg19 4p16.3-16.1(chr4:68345-6427504)x1

Genes: ADD1 (adducin 1; plus strand), ADRA2C (adrenoceptor alpha 2C; plus strand), ASPNAT (aspartate N-acetyltransferase; plus strand), ATP5ME (ATP synthase membrane subunit e; minus strand), C4orf50 (chromosome 4 open reading frame 50; minus strand) and 66 more. Cytogenetic location: 4p16.3-16.1.
Variant type: copy number loss.
Change: copy number 1 (one copy instead of two) of chr4:68,345-6,427,504 (6.36 Mb, GRCh37 coordinates, 1-based), cytogenetic band 4p16.3-16.1.
Identifiers: ClinVar variation 4850969 (VCV004850969.1).